The following is an entry in ClinVar:

ClinVar aggregate classification (germline): Conflicting classifications of pathogenicity. Review status: criteria provided, conflicting classifications (1 of 4 stars). 2 submissions from 2 submitters: Uncertain significance (1); Likely benign (1). Last evaluated 2025-09-10.

Conditions:
Inborn genetic diseases. Identifiers: MedGen C0950123, MeSH D030342.
Autosomal recessive limb-girdle muscular dystrophy type 2Y (MRRSDC). Also called: Muscular dystrophy, limb-girdle, type 2y; Muscular dystrophy, autosomal recessive, with rigid spine and distal joint contractures. Identifiers: Orphanet 424261, MedGen C4511482, MONDO:0014900, OMIM 617072.

Allele frequency attached by ClinVar (database versions not stated): gnomAD exomes below 0.00001; TOPMed below 0.00001; ExAC 0.00001.

Submissions (2):

Ambry Genetics
Classification: Likely benign for Inborn genetic diseases. Last evaluated: 2025-09-10. Review status: criteria provided, single submitter. Criteria: Ambry Variant Classification Scheme 2023. Collection method: clinical testing. Allele origin: germline.

Labcorp Genetics (formerly Invitae), Labcorp
Classification: Uncertain significance for Autosomal recessive limb-girdle muscular dystrophy type 2Y. Last evaluated: 2021-05-07. Review status: criteria provided, single submitter. Criteria: Invitae Variant Classification Sherloc (09022015). Collection method: clinical testing. Allele origin: germline.
Comment: In summary, the available evidence is currently insufficient to determine the role of this variant in disease. Therefore, it has been classified as a Variant of Uncertain Significance. Algorithms developed to predict the effect of missense changes on protein structure and function output the following: SIFT: "Tolerated"; PolyPhen-2: "Benign"; Align-GVGD: "Class C0". The isoleucine amino acid residue is found in multiple mammalian species, suggesting that this missense change does not adversely affect protein function. These predictions have not been confirmed by published functional studies and their clinical significance is uncertain. This variant has not been reported in the literature in individuals with TOR1AIP1-related conditions. This variant is present in population databases (rs776120444, ExAC 0.002%). This sequence change replaces valine with isoleucine at codon 177 of the TOR1AIP1 protein (p.Val177Ile). The valine residue is weakly conserved and there is a small physicochemical difference between valine and isoleucine.

NM_015602.4(TOR1AIP1):c.529G>A (p.Val177Ile)

Gene: TOR1AIP1 (torsin 1A interacting protein 1; plus strand). Cytogenetic location: 1q25.2.
Variant type: single nucleotide variant.
Coding change: c.529G>A on transcript NM_015602.4 (MANE Select); coding-DNA position 529, G replaced by A.
Protein change: p.Val177Ile; replaces valine 177 with isoleucine.
Molecular consequence: missense variant.
Genome position (GRCh38, 1-based): chr1:179,884,745, G>A. VCF-style: chr1-179884745-G-A. GRCh37 (hg19) VCF-style: chr1-179853880-G-A.
Other names: c.529G>A, p.Val177Ile (NM_001267578.2); c.529G>A (NM_015602.2); short protein forms V177I.
Identifiers: ClinVar variation 1366343 (VCV001366343.9), dbSNP rs776120444, ClinGen allele CA1268816.